The following is an entry in ClinVar:

NM_032447.5(FBN3):c.5548G>A (p.Glu1850Lys)

Gene: FBN3 (fibrillin 3; minus strand). Cytogenetic location: 19p13.2.
Variant type: single nucleotide variant.
Coding change: c.5548G>A on transcript NM_032447.5 (MANE Select); coding-DNA position 5548, G replaced by A.
Protein change: p.Glu1850Lys; replaces glutamic acid 1850 with lysine.
Molecular consequence: missense variant.
Genome position (GRCh38, 1-based): chr19:8,096,072, C>T on the plus strand (G>A on the coding strand, the complement: FBN3 is on the minus strand). VCF-style: chr19-8096072-C-T. GRCh37 (hg19) VCF-style: chr19-8160956-C-T.
Other names: c.5548G>A, p.Glu1850Lys (NM_001321431.2); c.5548G>A (NM_001321431.1); short protein forms E1850K.
Identifiers: ClinVar variation 777409 (VCV000777409.12), dbSNP rs10404519, ClinGen allele CA9151611.

ClinVar aggregate classification (germline): Benign. Review status: criteria provided, multiple submitters, no conflicts (2 of 4 stars). 3 submissions from 3 submitters: Benign (2). 1 of the submissions does not count toward it. Last evaluated 2026-02-01.

Conditions:
FBN3-related disorder. Also called: FBN3-related condition.

Allele frequency attached by ClinVar (database versions not stated): ESP Exome Variant Server 0.00838; gnomAD 0.00858 and 0.00808; 1000 Genomes Project 0.00899; 1000 Genomes Project 30x 0.00921; TOPMed 0.00931; gnomAD exomes 0.00079 and 0.00213; ExAC 0.00247.
gnomAD v4.1: 2,420 of 1,613,348 alleles (0.15%); highest among the groups gnomAD compares: African/African-American, 2.9%; 34 homozygotes.

Submissions (3):

Labcorp Genetics (formerly Invitae), Labcorp
Classification: Benign. Last evaluated: 2026-02-01. Review status: criteria provided, single submitter. Criteria: Invitae Variant Classification Sherloc (09022015). Collection method: clinical testing. Allele origin: germline.

Breakthrough Genomics
Classification: Benign. Review status: criteria provided, single submitter. Criteria: ACMG Guidelines, 2015. Collection method: not provided. Allele origin: germline. Inheritance: Unknown mechanism. Affected: yes.

PreventionGenetics, part of Exact Sciences
Classification: Benign for FBN3-related condition. Last evaluated: 2019-04-01. Review status: no assertion criteria provided. Collection method: clinical testing. Allele origin: germline. Not counted in ClinVar's aggregate classification.
Comment: This variant is classified as benign based on ACMG/AMP sequence variant interpretation guidelines (Richards et al. 2015 PMID: 25741868, with internal and published modifications).